The following is an entry in ClinVar:

ClinVar aggregate classification (germline): Conflicting classifications of pathogenicity. Review status: criteria provided, conflicting classifications (1 of 4 stars). 3 submissions from 3 submitters: Uncertain significance (2); Benign (1). Last evaluated 2023-10-18.

Conditions:
Emery-Dreifuss muscular dystrophy 5, autosomal dominant (EDMD5). Also called: EMERY-DREIFUSS MUSCULAR DYSTROPHY 5. Identifiers: Orphanet 261, MedGen C2751805, MONDO:0013072, OMIM 612999.

Allele frequency attached by ClinVar (database versions not stated): TOPMed 0.00002; gnomAD exomes 0.00003; ExAC 0.00004; gnomAD 0.00007; 1000 Genomes Project 30x 0.00016; 1000 Genomes Project 0.00020.
gnomAD v4.1: 44 of 1,614,118 alleles (0.0027%); highest among the groups gnomAD compares: African/African-American, 0.019%; no homozygotes.

Submissions (3):

Labcorp Genetics (formerly Invitae), Labcorp
Classification: Uncertain significance for Emery-Dreifuss muscular dystrophy 5, autosomal dominant. Last evaluated: 2023-10-18. Review status: criteria provided, single submitter. Criteria: Invitae Variant Classification Sherloc (09022015). Collection method: clinical testing. Allele origin: germline.
Comment: This sequence change replaces arginine, which is basic and polar, with cysteine, which is neutral and slightly polar, at codon 6659 of the SYNE2 protein (p.Arg6659Cys). This variant is present in population databases (rs35763782, gnomAD 0.03%). This variant has not been reported in the literature in individuals affected with SYNE2-related conditions. ClinVar contains an entry for this variant (Variation ID: 883969). Algorithms developed to predict the effect of missense changes on protein structure and function output the following: SIFT: "Not Available"; PolyPhen-2: "Benign"; Align-GVGD: "Not Available". The cysteine amino acid residue is found in multiple mammalian species, which suggests that this missense change does not adversely affect protein function. In summary, the available evidence is currently insufficient to determine the role of this variant in disease. Therefore, it has been classified as a Variant of Uncertain Significance.

Revvity Omics, Revvity
Classification: Uncertain significance for Emery-Dreifuss muscular dystrophy 5, autosomal dominant. Last evaluated: 2020-02-12. Review status: criteria provided, single submitter. Criteria: ACMG Guidelines, 2015. Collection method: clinical testing. Allele origin: germline.

Illumina Laboratory Services, Illumina
Classification: Benign for Emery-Dreifuss muscular dystrophy 5, autosomal dominant. Last evaluated: 2018-01-13. Review status: criteria provided, single submitter. Criteria: ICSL Variant Classification Criteria 13 December 2019. Collection method: clinical testing. Allele origin: germline.
Comment: This variant was observed in the ICSL laboratory as part of a predisposition screen in an ostensibly healthy population. It had not been previously curated by ICSL or reported in the Human Gene Mutation Database (HGMD: prior to June 1st, 2018), and was therefore a candidate for classification through an automated scoring system. Utilizing variant allele frequency, disease prevalence and penetrance estimates, and inheritance mode, an automated score was calculated to assess if this variant is too frequent to cause the disease. Based on the score and internal cut-off values, a variant classified as benign is not then subjected to further curation. The score for this variant resulted in a classification of benign for this disease.

NM_182914.3(SYNE2):c.19975C>T (p.Arg6659Cys)

Gene: SYNE2 (spectrin repeat containing nuclear envelope protein 2; plus strand). Cytogenetic location: 14q23.2.
Variant type: single nucleotide variant.
Coding change: c.19975C>T on transcript NM_182914.3 (MANE Select); coding-DNA position 19975, C replaced by T.
Protein change: p.Arg6659Cys; replaces arginine 6659 with cysteine.
Molecular consequence: missense variant.
Genome position (GRCh38, 1-based): chr14:64,220,551, C>T. VCF-style: chr14-64220551-C-T. GRCh37 (hg19) VCF-style: chr14-64687269-C-T.
Other names: c.19906C>T, p.Arg6636Cys (NM_015180.6); c.499C>T, p.Arg167Cys (NM_182910.2); c.877C>T, p.Arg293Cys (NM_182913.4); short protein forms R293C, R6636C, R6659C, R167C.
Identifiers: ClinVar variation 883969 (VCV000883969.13), dbSNP rs35763782, ClinGen allele CA7224650.